The following is an entry in ClinVar:

ClinVar aggregate classification (germline): Uncertain significance (1 of 4 stars; one submission).

Submission:

Labcorp Genetics (formerly Invitae), Labcorp
Classification: Uncertain significance. Last evaluated: 2024-05-16. Review status: criteria provided, single submitter. Criteria: Invitae Variant Classification Sherloc (09022015). Collection method: clinical testing. Allele origin: germline.
Comment: This sequence change replaces glycine, which is neutral and non-polar, with alanine, which is neutral and non-polar, at codon 125 of the SOX6 protein (p.Gly125Ala). This variant is not present in population databases (gnomAD no frequency). This variant has not been reported in the literature in individuals affected with SOX6-related conditions. Advanced modeling of protein sequence and biophysical properties (such as structural, functional, and spatial information, amino acid conservation, physicochemical variation, residue mobility, and thermodynamic stability) performed at Invitae indicates that this missense variant is not expected to disrupt SOX6 protein function with a negative predictive value of 80%. In summary, the available evidence is currently insufficient to determine the role of this variant in disease. Therefore, it has been classified as a Variant of Uncertain Significance.

NM_001367873.1(SOX6):c.374G>C (p.Gly125Ala)

Gene: SOX6 (SRY-box transcription factor 6; minus strand). Cytogenetic location: 11p15.2.
Variant type: single nucleotide variant.
Coding change: c.374G>C on transcript NM_001367873.1 (MANE Select); coding-DNA position 374, G replaced by C.
Protein change: p.Gly125Ala; replaces glycine 125 with alanine.
Molecular consequence: missense variant.
Genome position (GRCh38, 1-based): chr11:16,318,517, C>G on the plus strand (G>C on the coding strand, the complement: SOX6 is on the minus strand). VCF-style: chr11-16318517-C-G. GRCh37 (hg19) VCF-style: chr11-16340063-C-G.
Other names: c.374G>C, p.Gly125Ala (NM_033326.3, NM_001145811.2, NM_001145819.2 and 2 more transcripts); short protein forms G125A.
Identifiers: ClinVar variation 2810422 (VCV002810422.3), dbSNP rs2494167068, ClinGen allele CA379878228.